The following is an entry in ClinVar:

ClinVar aggregate classification (germline): Uncertain significance (1 of 4 stars; one submission).

Conditions:
Early-infantile DEE. Also called: Ohtahara syndrome; Early infantile epileptic encephalopathy with suppression bursts; Early infantile epileptic encephalopathy. Identifiers: Orphanet 1934, MedGen C0393706, MONDO:0800491.

Allele frequency attached by ClinVar (database versions not stated): gnomAD exomes below 0.00001.
gnomAD v4.1: 1 of 1,602,760 alleles (0.000062%); highest among the groups gnomAD compares: Non-Finnish European, 0.000085%; no homozygotes.

Submission:

Labcorp Genetics (formerly Invitae), Labcorp
Classification: Uncertain significance for Early-infantile DEE. Last evaluated: 2025-10-27. Review status: criteria provided, single submitter. Criteria: Invitae Variant Classification Sherloc (09022015). Collection method: clinical testing. Allele origin: germline.
Comment: This sequence change replaces methionine, which is neutral and non-polar, with threonine, which is neutral and polar, at codon 85 of the CACNA2D2 protein (p.Met85Thr). This variant is not present in population databases (gnomAD no frequency). This variant has not been reported in the literature in individuals affected with CACNA2D2-related conditions. ClinVar contains an entry for this variant (Variation ID: 1412882). An algorithm developed to predict the effect of missense changes on protein structure and function (PolyPhen-2) suggests that this variant is likely to be tolerated. In summary, the available evidence is currently insufficient to determine the role of this variant in disease. Therefore, it has been classified as a Variant of Uncertain Significance.

NM_006030.4(CACNA2D2):c.254T>C (p.Met85Thr)

Gene: CACNA2D2 (calcium voltage-gated channel auxiliary subunit alpha2delta 2; minus strand). Cytogenetic location: 3p21.31.
Variant type: single nucleotide variant.
Coding change: c.254T>C on transcript NM_006030.4 (MANE Select); coding-DNA position 254, T replaced by C.
Protein change: p.Met85Thr; replaces methionine 85 with threonine.
Molecular consequence: missense variant.
Genome position (GRCh38, 1-based): chr3:50,476,152, A>G on the plus strand (T>C on the coding strand, the complement: CACNA2D2 is on the minus strand). VCF-style: chr3-50476152-A-G. GRCh37 (hg19) VCF-style: chr3-50513583-A-G.
Other names: c.254T>C, p.Met85Thr (NM_001005505.3, NM_001174051.3); c.47T>C, p.Met16Thr (NM_001291101.1); short protein forms M16T, M85T.
Identifiers: ClinVar variation 1412882 (VCV001412882.7), dbSNP rs2107090176, ClinGen allele CA353002573.